The following is an entry in ClinVar:

ClinVar aggregate classification (germline): Conflicting classifications of pathogenicity. Review status: criteria provided, conflicting classifications (1 of 4 stars). 3 submissions from 3 submitters: Pathogenic (1); Uncertain significance (1). 1 of the submissions does not count toward it. Last evaluated 2023-09-27.

Conditions:
Tuberous sclerosis syndrome (TSC). Also called: Tuberous Sclerosis Complex; Tuberous sclerosis. Identifiers: Orphanet 805, MedGen C0041341, MONDO:0001734.
Hereditary cancer-predisposing syndrome. Also called: Tumor predisposition; Hereditary Cancer Syndrome; Neoplastic Syndromes, Hereditary; Hereditary neoplastic syndrome. Identifiers: Orphanet 140162, MedGen C0027672, MeSH D009386, MONDO:0015356.

Submissions (3):

Ambry Genetics
Classification: Uncertain significance for Hereditary cancer-predisposing syndrome. Last evaluated: 2023-09-27. Review status: criteria provided, single submitter. Criteria: Ambry Variant Classification Scheme 2023. Collection method: clinical testing. Allele origin: germline.
Comment: The c.5160+2dupT intronic variant is located two nucleotides after coding exon 39 of the TSC2 gene. This variant results from a duplication of one nucleotide at position c.5160+2. This alteration, referred to as c.5160+2_5160+3insT, has been observed in a patient with tuberous sclerosis complex (Bombardieri R et al. Endocr Pract, 2013;19:e124-8). This nucleotide position is highly conserved in available vertebrate species. In silico splice site analysis predicts that this alteration may weaken the native splice donor site. Since supporting evidence is limited at this time, the clinical significance of this alteration remains unclear.

GeneDx
Classification: Pathogenic. Last evaluated: 2020-06-17. Review status: criteria provided, single submitter. Criteria: GeneDx Variant Classification Process June 2021. Collection method: clinical testing. Allele origin: germline. Affected: yes.
Comment: Observed in a patient with TSC and a pancreatic neuroendocrine tumor in published literature (Bombardieri et al., 2013); Intronic splice site variant in a gene for which loss-of-function is a known mechanism of disease, and both in silico predictors and evolutionary conservation support a deleterious effect; Not observed in large population cohorts (Lek et al., 2016); This variant is associated with the following publications: (PMID: 23757617)

Tuberous sclerosis database (TSC2)
No classification provided. Condition: TSC. Review status: no classification provided. Criteria: Tuberous Sclerosis Database Assertion Criteria 2015. Collection method: curation. Allele origin: germline. Affected: yes. Not counted in ClinVar's aggregate classification.

Literature cited by the submitters: PubMed 23757617 (cited by Ambry Genetics).

NM_000548.5(TSC2):c.5160+2dup

Gene: TSC2 (TSC complex subunit 2; plus strand). Cytogenetic location: 16p13.3.
Variant type: Duplication.
Coding change: c.5160+2dup on transcript NM_000548.5 (MANE Select); the canonical splice donor site of the intron after coding-DNA position 5160, one base duplicated (T; older notation c.5160+2dupT).
Molecular consequence: splice donor variant.
Genome position (GRCh38, 1-based): chr16:2,088,141, T duplicated. VCF-style (leftmost placement, unchanged base first): chr16-2088140-G-GT. GRCh37 (hg19) VCF-style: chr16-2138141-G-GT.
Other names: c.5091+2dup (NM_001114382.3); c.5031+2dup (NM_021055.3, NM_001370405.1); c.4962+2dup (NM_001363528.2); c.5028+2dup (NM_001370404.1); c.4959+2dup (NM_001077183.3); c.4851+2dup (NM_001318827.2); c.4428+2dup (NM_001318831.2); c.4815+2dup (NM_001318829.2); and 2 more.
Identifiers: ClinVar variation 64962 (VCV000064962.5), dbSNP rs397514969, ClinGen allele CA021935.